The following is an entry in ClinVar:

ClinVar aggregate classification (germline): Uncertain significance (1 of 4 stars; one submission).

Conditions:
Hereditary diffuse gastric adenocarcinoma (HDGC). Also called: DIFFUSE GASTRIC AND LOBULAR BREAST CANCER SYNDROME. Identifiers: Orphanet 26106, MedGen C1708349, MONDO:0007648, OMIM 137215.

Allele frequency attached by ClinVar (database versions not stated): TOPMed 0.00003; gnomAD 0.00005.
gnomAD v4.1: 79 of 1,572,614 alleles (0.005%); highest among the groups gnomAD compares: Middle Eastern, 0.017%; no homozygotes.

Submission:

European Reference Network on Genetic Tumour Risk Syndromes (ERN-GENTURIS), i3s - Instituto de Investigação e Inovação em Saúde, University of Porto
Classification: Uncertain significance for Hereditary diffuse gastric adenocarcinoma. Last evaluated: 2022-08-01. Review status: criteria provided, single submitter. Criteria: Lee et al. (Hum Mutat. 2018). Collection method: clinical testing. Allele origin: germline. Inheritance: Autosomal dominant inheritance. Affected: no. Study: ERN GENTURIS.
Comment: PM2; BS2_Supporting (PMID: 30311375)

Literature cited by the submitters: PubMed 36436516.

NM_004360.5(CDH1):c.2439+53G>A

Gene: CDH1 (cadherin 1; plus strand). Cytogenetic location: 16q22.1.
Variant type: single nucleotide variant.
Coding change: c.2439+53G>A on transcript NM_004360.5 (MANE Select); 53 bases into the intron after coding-DNA position 2439, G replaced by A.
Molecular consequence: intron variant.
Genome position (GRCh38, 1-based): chr16:68,829,850, G>A. VCF-style: chr16-68829850-G-A. GRCh37 (hg19) VCF-style: chr16-68863753-G-A.
Other names: c.891+53G>A (NM_001317185.2); c.474+53G>A (NM_001317186.2); c.2256+53G>A (NM_001317184.2).
Identifiers: ClinVar variation 2503006 (VCV002503006.1), dbSNP rs894091133, ClinGen allele CA283318405.
Genomic context (GRCh38, chr16:68,829,850, plus strand): 5'-TTGATGAAGTAAGTAATCCACGTGGAAAGCCAAAGCATGGCTCATCTCTAAGCTCAGGAG[G>A]AGTTGTGTCAAAAATGAGAAAAAGAGTCTTTAGATTCTTTCCTTTACTATGTTTTCAGCT-3'